The following is an entry in ClinVar:

ClinVar aggregate classification (germline): Uncertain significance (1 of 4 stars; one submission).

Allele frequency attached by ClinVar (database versions not stated): gnomAD 0.00001; gnomAD exomes 0.00001 and 0.00003; TOPMed 0.00001; ExAC 0.00003.
gnomAD v4.1: 16 of 1,614,022 alleles (0.00099%); highest among the groups gnomAD compares: East Asian, 0.0022%; no homozygotes.

Submission:

Labcorp Genetics (formerly Invitae), Labcorp
Classification: Uncertain significance. Last evaluated: 2021-08-09. Review status: criteria provided, single submitter. Criteria: Invitae Variant Classification Sherloc (09022015). Collection method: clinical testing. Allele origin: germline.
Comment: In summary, the available evidence is currently insufficient to determine the role of this variant in disease. Therefore, it has been classified as a Variant of Uncertain Significance. Algorithms developed to predict the effect of missense changes on protein structure and function (SIFT, PolyPhen-2, Align-GVGD) all suggest that this variant is likely to be disruptive. This variant has not been reported in the literature in individuals affected with DHX38-related conditions. This variant is present in population databases (rs754377993, ExAC 0.03%). This sequence change replaces threonine with methionine at codon 265 of the DHX38 protein (p.Thr265Met). The threonine residue is highly conserved and there is a moderate physicochemical difference between threonine and methionine.

NM_014003.4(DHX38):c.794C>T (p.Thr265Met)

Gene: DHX38 (DEAH-box helicase 38; plus strand). Cytogenetic location: 16q22.2.
Variant type: single nucleotide variant.
Coding change: c.794C>T on transcript NM_014003.4 (MANE Select); coding-DNA position 794, C replaced by T.
Protein change: p.Thr265Met; replaces threonine 265 with methionine.
Molecular consequence: missense variant.
Genome position (GRCh38, 1-based): chr16:72,098,956, C>T. VCF-style: chr16-72098956-C-T. GRCh37 (hg19) VCF-style: chr16-72132855-C-T.
Other names: short protein forms T265M.
Identifiers: ClinVar variation 1511467 (VCV001511467.6), dbSNP rs754377993, ClinGen allele CA8160086.